The following is an entry in ClinVar:

ClinVar aggregate classification (germline): Uncertain significance. Review status: criteria provided, multiple submitters, no conflicts (2 of 4 stars). 2 submissions from 2 submitters: Uncertain significance (2). Last evaluated 2023-12-21.

Conditions:
Inborn genetic diseases. Identifiers: MedGen C0950123, MeSH D030342.

Allele frequency attached by ClinVar (database versions not stated): TOPMed below 0.00001; ExAC 0.00001; gnomAD 0.00002; 1000 Genomes Project 0.00020; 1000 Genomes Project 30x 0.00031.
gnomAD v4.1: 23 of 1,613,672 alleles (0.0014%); highest among the groups gnomAD compares: Non-Finnish European, 0.0019%; no homozygotes.

Submissions (2):

Ambry Genetics
Classification: Uncertain significance for Inborn genetic diseases. Last evaluated: 2023-12-21. Review status: criteria provided, single submitter. Criteria: Ambry Variant Classification Scheme 2023. Collection method: clinical testing. Allele origin: germline.

GeneDx
Classification: Uncertain significance. Last evaluated: 2022-12-28. Review status: criteria provided, single submitter. Criteria: GeneDx Variant Classification Process June 2021. Collection method: clinical testing. Allele origin: germline. Affected: yes.
Comment: In silico analysis supports that this missense variant has a deleterious effect on protein structure/function; Has not been previously published as pathogenic or benign to our knowledge

NM_153717.3(EVC):c.2426T>G (p.Leu809Arg)

Gene: EVC (EvC ciliary complex subunit 1; plus strand). Cytogenetic location: 4p16.2.
Variant type: single nucleotide variant.
Coding change: c.2426T>G on transcript NM_153717.3 (MANE Select); coding-DNA position 2426, T replaced by G.
Protein change: p.Leu809Arg; replaces leucine 809 with arginine.
Molecular consequence: missense variant.
Genome position (GRCh38, 1-based): chr4:5,802,071, T>G. VCF-style: chr4-5802071-T-G. GRCh37 (hg19) VCF-style: chr4-5803798-T-G.
Other names: c.2426T>G, p.Leu809Arg (NM_001306090.2); short protein forms L809R.
Identifiers: ClinVar variation 2507036 (VCV002507036.2), dbSNP rs200839198, ClinGen allele CA2836490.
Genomic context (GRCh38, chr4:5,802,071, plus strand): 5'-TGGTGCAGGCGTATTACCAGCAAATCGGAAGGATCATGGAGGACCACGAGGAGAGAAAAC[T>G]GCAGCACCTGAAGACCCTGCAGGGTACGGGACCCCCCCTCAGGGAAGCCCCAGAAGAGAC-3'
Protein context (NP_714928.1, residues 799-819): RIMEDHEERK[Leu809Arg]QHLKTLQGER